The following is an entry in ClinVar:

ClinVar aggregate classification (germline): Pathogenic (1 of 4 stars; one submission).

Conditions:
Alstrom syndrome (ALMS). Identifiers: Orphanet 64, MedGen C0268425, MONDO:0008763, OMIM 203800.

Submission:

Labcorp Genetics (formerly Invitae), Labcorp
Classification: Pathogenic for Alstrom syndrome. Last evaluated: 2023-09-03. Review status: criteria provided, single submitter. Criteria: Invitae Variant Classification Sherloc (09022015). Collection method: clinical testing. Allele origin: germline.
Comment: For these reasons, this variant has been classified as Pathogenic. This variant has not been reported in the literature in individuals affected with ALMS1-related conditions. This variant is not present in population databases (gnomAD no frequency). This sequence change creates a premature translational stop signal (p.Arg3614Thrfs*3) in the ALMS1 gene. It is expected to result in an absent or disrupted protein product. Loss-of-function variants in ALMS1 are known to be pathogenic (PMID: 17594715).

Literature cited by the submitters: PubMed 17594715.

NM_001378454.1(ALMS1):c.10838_10839del (p.Arg3613fs)

Gene: ALMS1 (ALMS1 centrosome and basal body associated protein; plus strand). Cytogenetic location: 2p13.1.
Variant type: Microsatellite.
Coding change: c.10838_10839del on transcript NM_001378454.1 (MANE Select); coding-DNA positions 10838 to 10839, 2 bases deleted (GA; older notation c.10838_10839delGA).
Protein change: p.Arg3613fs; shifts the reading frame from arginine 3613.
Molecular consequence: frameshift variant.
Genome position (GRCh38, 1-based): chr2:73,572,715-73,572,716, GA deleted; deleting any 2 consecutive bases within chr2:73,572,712-73,572,716 gives the same sequence; the c. name uses the placement nearest the transcript's 3' end. VCF-style (leftmost placement, unchanged base first): chr2-73572711-CAG-C. GRCh37 (hg19) VCF-style: chr2-73799838-CAG-C.
Other names: c.10841_10842del, p.Arg3614fs (NM_015120.4); short protein forms R3614fs, R3613fs.
Identifiers: ClinVar variation 2757570 (VCV002757570.3), dbSNP rs2466444847, ClinGen allele CA2697548295.